The following is an entry in ClinVar:

NM_002691.4(POLD1):c.2045G>T (p.Arg682Leu)

Gene: POLD1 (DNA polymerase delta 1, catalytic subunit; plus strand). Cytogenetic location: 19q13.33.
Variant type: single nucleotide variant.
Coding change: c.2045G>T on transcript NM_002691.4 (MANE Select); coding-DNA position 2045, G replaced by T.
Protein change: p.Arg682Leu; replaces arginine 682 with leucine.
Molecular consequence: missense variant. On other transcripts: non-coding transcript variant (1).
Genome position (GRCh38, 1-based): chr19:50,409,557, G>T. VCF-style: chr19-50409557-G-T. GRCh37 (hg19) VCF-style: chr19-50912814-G-T.
Other names: c.2045G>T, p.Arg682Leu (NM_001256849.1); c.2123G>T, p.Arg708Leu (NM_001308632.1); short protein forms R682L, R708L.
Identifiers: ClinVar variation 641653 (VCV000641653.8), dbSNP rs773665739, ClinGen allele CA406982514.

ClinVar aggregate classification (germline): Uncertain significance (1 of 4 stars; one submission).

Conditions:
POLD1-related polyposis and colorectal cancer syndrome (CRCS10). Also called: Colorectal cancer, susceptibility to, 10; Colorectal cancer 10; COLORECTAL CANCER, SUSCEPTIBILITY TO, ON CHROMOSOME 19q. Identifiers: Orphanet 220460, MedGen C2675481, MONDO:0012953, OMIM 612591.

Submission:

Labcorp Genetics (formerly Invitae), Labcorp
Classification: Uncertain significance for POLD1-related polyposis and colorectal cancer syndrome. Last evaluated: 2023-10-04. Review status: criteria provided, single submitter. Criteria: Invitae Variant Classification Sherloc (09022015). Collection method: clinical testing. Allele origin: germline.
Comment: This sequence change replaces arginine, which is basic and polar, with leucine, which is neutral and non-polar, at codon 682 of the POLD1 protein (p.Arg682Leu). This variant is not present in population databases (gnomAD no frequency). This variant has not been reported in the literature in individuals affected with POLD1-related conditions. ClinVar contains an entry for this variant (Variation ID: 641653). Advanced modeling of protein sequence and biophysical properties (such as structural, functional, and spatial information, amino acid conservation, physicochemical variation, residue mobility, and thermodynamic stability) performed at Invitae indicates that this missense variant is not expected to disrupt POLD1 protein function. In summary, the available evidence is currently insufficient to determine the role of this variant in disease. Therefore, it has been classified as a Variant of Uncertain Significance.